The following is an entry in ClinVar:

NM_005477.3(HCN4):c.2630C>T (p.Ser877Leu)

Gene: HCN4 (hyperpolarization activated cyclic nucleotide gated potassium channel 4; minus strand). Cytogenetic location: 15q24.1.
Variant type: single nucleotide variant.
Coding change: c.2630C>T on transcript NM_005477.3 (MANE Select); coding-DNA position 2630, C replaced by T.
Protein change: p.Ser877Leu; replaces serine 877 with leucine.
Molecular consequence: missense variant.
Genome position (GRCh38, 1-based): chr15:73,323,463, G>A on the plus strand (C>T on the coding strand, the complement: HCN4 is on the minus strand). VCF-style: chr15-73323463-G-A. GRCh37 (hg19) VCF-style: chr15-73615804-G-A.
Other names: short protein forms S877L.
Identifiers: ClinVar variation 839390 (VCV000839390.9), dbSNP rs1265789896, ClinGen allele CA393088515.

ClinVar aggregate classification (germline): Uncertain significance (1 of 4 stars; one submission).

Conditions:
Brugada syndrome 8 (BRGDA8). Identifiers: Orphanet 130, MedGen C2751083, MONDO:0013148, OMIM 613123.

Allele frequency attached by ClinVar (database versions not stated): TOPMed below 0.00001; gnomAD 0.00001 and 0.00002.
gnomAD v4.1: 3 of 1,607,778 alleles (0.00019%); highest among the groups gnomAD compares: African/African-American, 0.004%; no homozygotes.

Submission:

Labcorp Genetics (formerly Invitae), Labcorp
Classification: Uncertain significance for Brugada syndrome 8. Last evaluated: 2025-12-19. Review status: criteria provided, single submitter. Criteria: Invitae Variant Classification Sherloc (09022015). Collection method: clinical testing. Allele origin: germline.
Comment: This sequence change replaces serine, which is neutral and polar, with leucine, which is neutral and non-polar, at codon 877 of the HCN4 protein (p.Ser877Leu). This variant is present in population databases (no rsID available, gnomAD 0.01%). This variant has not been reported in the literature in individuals affected with HCN4-related conditions. ClinVar contains an entry for this variant (Variation ID: 839390). Invitae Evidence Modeling of protein sequence and biophysical properties (such as structural, functional, and spatial information, amino acid conservation, physicochemical variation, residue mobility, and thermodynamic stability) indicates that this missense variant is not expected to disrupt HCN4 protein function with a negative predictive value of 95%. In summary, the available evidence is currently insufficient to determine the role of this variant in disease. Therefore, it has been classified as a Variant of Uncertain Significance.